The following is an entry in ClinVar:

ClinVar aggregate classification (germline): Pathogenic/Likely pathogenic. Review status: criteria provided, multiple submitters, no conflicts (2 of 4 stars). 3 submissions from 3 submitters: Pathogenic (1); Likely pathogenic (1). 1 of the submissions does not count toward it. Last evaluated 2022-12-02.

Conditions:
Duane-radial ray syndrome (DRRS). Also called: Okihiro Syndrome; ACRORENOOCULAR SYNDROME; Duane-Radial Ray Syndrome (DRRS) / Okihiro Syndrome; DR SYNDROME; DUANE ANOMALY WITH RADIAL RAY ABNORMALITIES AND DEAFNESS; Duane-Radial Ray Syndrome/Okihiro Syndrome. Identifiers: Orphanet 93293, Orphanet 959, MedGen C1623209, MONDO:0011812, OMIM 607323. Disease mechanism: gain of function.

Submissions (3):

Labcorp Genetics (formerly Invitae), Labcorp
Classification: Pathogenic for Duane-radial ray syndrome. Last evaluated: 2022-12-02. Review status: criteria provided, single submitter. Criteria: Invitae Variant Classification Sherloc (09022015). Collection method: clinical testing. Allele origin: germline.
Comment: For these reasons, this variant has been classified as Pathogenic. ClinVar contains an entry for this variant (Variation ID: 3322). This premature translational stop signal has been observed in individual(s) with Duane-radial ray syndrome (PMID: 12395297). It has also been observed to segregate with disease in related individuals. This variant is not present in population databases (gnomAD no frequency). This sequence change creates a premature translational stop signal (p.Arg865*) in the SALL4 gene. It is expected to result in an absent or disrupted protein product. Loss-of-function variants in SALL4 are known to be pathogenic (PMID: 15342710, 16086360).

GeneDx
Classification: Likely pathogenic. Last evaluated: 2019-11-06. Review status: criteria provided, single submitter. Criteria: GeneDx Variant Classification Process June 2021. Collection method: clinical testing. Allele origin: germline. Affected: yes.
Comment: Nonsense variant predicted to result in protein truncation or nonsense mediated decay in a gene for which loss-of-function is a known mechanism of disease; Not observed in large population cohorts (Lek et al., 2016); This variant is associated with the following publications: (PMID: 843249, 20301547, 12395297, 25525159, 11826030, 12843316)

OMIM
Classification: Pathogenic for DUANE-RADIAL RAY SYNDROME. Last evaluated: 2002-11-01. Review status: no assertion criteria provided. Collection method: literature only. Allele origin: germline. Not counted in ClinVar's aggregate classification.

Literature cited by the submitters: PubMed 12395297 (cited by Labcorp Genetics (formerly Invitae), Labcorp and OMIM); PubMed 15342710 (cited by Labcorp Genetics (formerly Invitae), Labcorp); PubMed 16086360 (cited by Labcorp Genetics (formerly Invitae), Labcorp); PubMed 843249 (cited by OMIM); Kohlhase, J. Personal Communication. 2003. Goettingen, Germany (cited by OMIM); PubMed 11826030 (cited by OMIM).

NM_020436.5(SALL4):c.2593C>T (p.Arg865Ter)

Gene: SALL4 (spalt like transcription factor 4; minus strand). Cytogenetic location: 20q13.2.
Variant type: single nucleotide variant.
Coding change: c.2593C>T on transcript NM_020436.5 (MANE Select); coding-DNA position 2593, C replaced by T.
Protein change: p.Arg865Ter; replaces arginine 865 with a stop codon.
Molecular consequence: nonsense.
Genome position (GRCh38, 1-based): chr20:51,789,010, G>A on the plus strand (C>T on the coding strand, the complement: SALL4 is on the minus strand). VCF-style: chr20-51789010-G-A. GRCh37 (hg19) VCF-style: chr20-50405549-G-A.
Other names: c.1282C>T, p.Arg428Ter (NM_001318031.2); c.2593C>T, p.Arg865Ter (LRG_675t1); short protein forms R865*, R428*.
Identifiers: ClinVar variation 3322 (VCV000003322.14), dbSNP rs74315425, ClinGen allele CA340056.
Genomic context (GRCh38, chr20:51,789,010, plus strand): 5'-GAGCGCTAGCAGACGAGAAGTTCTTCCCACACCGTGTGCAGCCATGTTGCTTGGCCTGTC[G>A]GCGTGGCTGGGCTGCTAACAAAGGGGTCATCCCTGGGGACAATGTCGAGGGTCCCACAAA-3'